The following is an entry in ClinVar:

ClinVar aggregate classification (germline): Likely benign (1 of 4 stars; one submission).

Submission:

GeneDx
Classification: Likely benign. Last evaluated: 2018-02-15. Review status: criteria provided, single submitter. Criteria: GeneDx Variant Classification (06012015). Collection method: clinical testing. Allele origin: germline. Affected: yes.
Comment: This variant is considered likely benign or benign based on one or more of the following criteria: it is a conservative change, it occurs at a poorly conserved position in the protein, it is predicted to be benign by multiple in silico algorithms, and/or has population frequency not consistent with disease.

NM_005465.7(AKT3):c.628-18dup

Gene: AKT3 (AKT serine/threonine kinase 3; minus strand). Cytogenetic location: 1q44.
Variant type: Duplication.
Coding change: c.628-18dup on transcript NM_005465.7 (MANE Select); 18 bases into the intron before coding-DNA position 628, one base duplicated (T; older notation c.628-18dupT).
Molecular consequence: intron variant.
Genome position (GRCh38, 1-based): chr1:243,613,757, A duplicated on the plus strand (T on the coding strand, the reverse complement: AKT3 is on the minus strand); the first of 6 consecutive A bases (chr1:243,613,757-243,613,762); duplicating any one gives the same sequence. VCF-style (leftmost placement, unchanged base first): chr1-243613756-G-GA. GRCh37 (hg19) VCF-style: chr1-243777058-G-GA.
Other names: c.628-18dup (NM_181690.2, NM_001370074.1, NM_001206729.2); c.628-18dupT (NM_005465.4).
Identifiers: ClinVar variation 515459 (VCV000515459.1), dbSNP rs1553415442, ClinGen allele CA658795657.